The following is an entry in ClinVar:

NM_005993.5(TBCD):c.1048G>A (p.Glu350Lys)

Gene: TBCD (tubulin folding cofactor D). Cytogenetic location: 17q25.3.
Variant type: single nucleotide variant.
Coding change: c.1048G>A on transcript NM_005993.5 (MANE Select); coding-DNA position 1048, G replaced by A.
Protein change: p.Glu350Lys; replaces glutamic acid 350 with lysine.
Molecular consequence: missense variant.
Genome position (GRCh38, 1-based): chr17:82,805,972, G>A. VCF-style: chr17-82805972-G-A. GRCh37 (hg19) VCF-style: chr17-80763848-G-A.
Other names: c.1048G>A (NM_005993.4); short protein forms E350K.
Identifiers: ClinVar variation 1356721 (VCV001356721.4), dbSNP rs201515629, ClinGen allele CA8861858.

ClinVar aggregate classification (germline): Uncertain significance. Review status: criteria provided, multiple submitters, no conflicts (2 of 4 stars). 2 submissions from 2 submitters: Uncertain significance (2). Last evaluated 2024-07-16.

Conditions:
Inborn genetic diseases. Identifiers: MedGen C0950123, MeSH D030342.

Allele frequency attached by ClinVar (database versions not stated): gnomAD exomes 0.00002 and 0.00003; ExAC 0.00006; gnomAD 0.00009 and 0.00011; TOPMed 0.00009; ESP Exome Variant Server 0.00024.
gnomAD v4.1: 47 of 1,613,706 alleles (0.0029%); highest among the groups gnomAD compares: African/African-American, 0.023%; no homozygotes.

Submissions (2):

Ambry Genetics
Classification: Uncertain significance for Inborn genetic diseases. Last evaluated: 2024-07-16. Review status: criteria provided, single submitter. Criteria: Ambry Variant Classification Scheme 2023. Collection method: clinical testing. Allele origin: germline.

Labcorp Genetics (formerly Invitae), Labcorp
Classification: Uncertain significance. Last evaluated: 2022-09-19. Review status: criteria provided, single submitter. Criteria: Invitae Variant Classification Sherloc (09022015). Collection method: clinical testing. Allele origin: germline.
Comment: This sequence change replaces glutamic acid, which is acidic and polar, with lysine, which is basic and polar, at codon 350 of the TBCD protein (p.Glu350Lys). This variant is present in population databases (rs201515629, gnomAD 0.03%). This variant has not been reported in the literature in individuals affected with TBCD-related conditions. ClinVar contains an entry for this variant (Variation ID: 1356721). Advanced modeling of protein sequence and biophysical properties (such as structural, functional, and spatial information, amino acid conservation, physicochemical variation, residue mobility, and thermodynamic stability) has been performed at Invitae for this missense variant, however the output from this modeling did not meet the statistical confidence thresholds required to predict the impact of this variant on TBCD protein function. In summary, the available evidence is currently insufficient to determine the role of this variant in disease. Therefore, it has been classified as a Variant of Uncertain Significance.